The following is an entry in ClinVar:

NM_003742.4(ABCB11):c.2178+1G>A

Gene: ABCB11 (ATP binding cassette subfamily B member 11; minus strand). Cytogenetic location: 2q31.1.
Variant type: single nucleotide variant.
Coding change: c.2178+1G>A on transcript NM_003742.4 (MANE Select); the canonical splice donor site of the intron after coding-DNA position 2178, G replaced by A.
Molecular consequence: splice donor variant.
Genome position (GRCh38, 1-based): chr2:168,964,205, C>T on the plus strand (G>A on the coding strand, the complement: ABCB11 is on the minus strand). VCF-style: chr2-168964205-C-T. GRCh37 (hg19) VCF-style: chr2-169820715-C-T.
Identifiers: ClinVar variation 596620 (VCV000596620.65), dbSNP rs1459273753, ClinGen allele CA349108985.

ClinVar aggregate classification (germline): Pathogenic. Review status: criteria provided, multiple submitters, no conflicts (2 of 4 stars). 13 submissions from 13 submitters: Pathogenic (12). 1 of the submissions does not count toward it. Last evaluated 2026-04-14.

Conditions:
Cholestasis. Identifiers: MedGen C0008370, MONDO:0001751, HP:0001396.
ABCB11-related disorder. Also called: ABCB11-related condition.
Benign recurrent intrahepatic cholestasis type 2 (BRIC2). Also called: Recurrent familial intrahepatic cholestasis 2. Identifiers: Orphanet 65682, Orphanet 99961, MedGen C2608083, MONDO:0011559, OMIM 605479.
Progressive familial intrahepatic cholestasis type 2. Identifiers: Orphanet 79304, MedGen C3489789, MONDO:0011156, OMIM 601847.
Familial intrahepatic cholestasis. Identifiers: Orphanet 284385, MedGen CN296401, MONDO:0017290.

Allele frequency attached by ClinVar (database versions not stated): gnomAD exomes 0.00001.
gnomAD v4.1: 14 of 1,551,674 alleles (0.0009%); highest among the groups gnomAD compares: Non-Finnish European, 0.0011%; no homozygotes.

Submissions (13):

Genomenon, Inc
Classification: Pathogenic for Familial intrahepatic cholestasis. Last evaluated: 2026-04-14. Review status: criteria provided, single submitter. Criteria: Genomenon Sequence Variant Interpretation Standards - Updated. Collection method: curation. Allele origin: germline. Affected: yes.
Comment: ABCB11 c.2178+1G>A is a canonical splice variant affecting the donor splice site of intron 18. It is predicted to affect mRNA splicing, leading to a deleterious effect on the ABCB11 protein. This variant has been observed in at least one proband with an ABCB11-related disorder (PMID:37361697;36995996;32291498;31160058;28733223;25847299;15300568;18395098). The variant was found to segregate with disease in at least one affected family (PMID:15300568). It is absent or not present at a significant frequency in gnomAD. In conclusion, we classify ABCB11 c.2178+1G>A as a pathogenic variant.

GeneDx
Classification: Pathogenic. Last evaluated: 2026-03-23. Review status: criteria provided, single submitter. Criteria: GeneDx Variant Classification Process June 2021. Collection method: clinical testing. Allele origin: germline.
Comment: Canonical splice site variant predicted to result in a null allele in a gene for which loss of function is a known mechanism of disease; Also known as IVS19+1G>A; This variant is associated with the following publications: (PMID: 16871584, 28733223, 31296176, 34008892, 35894240, 37688579, 15300568, 32291498, 31160058, DadaslkiM_2025_Article, 18395098, 36995996)

Immunogenetics and Transplant Biology Service, University Hospital "Città della Salute e della Scienza di Torino"
Classification: Pathogenic for Benign recurrent intrahepatic cholestasis type 2; Progressive familial intrahepatic cholestasis type 2. Last evaluated: 2025-06-28. Review status: criteria provided, single submitter. Criteria: ACMG Guidelines, 2015. Collection method: clinical testing. Allele origin: germline. Affected: yes.

Natera, Inc.
Classification: Pathogenic for Progressive familial intrahepatic cholestasis type 2. Last evaluated: 2024-11-23. Review status: criteria provided, single submitter. Criteria: Natera Variant Classification Schema (03/2026). Collection method: clinical testing. Allele origin: germline.
Comment: The c.2178+1G>A variant in ABCB11 is a canonical splice donor site variant predicted to affect pre-mRNA splicing, which may result in an abnormal transcript and altered protein product. This variant is expected to result in nonsense mediated decay, truncation, or a dysfunctional protein product. This variant is rare in the general population with a frequency below the threshold expected for the associated phenotype(s). This variant has been observed in one or more individuals affected with the associated recessive disease, as either homozygous or compound heterozygous with a second variant (PMID: 18395098). Given the available evidence, this variant is classified as Pathogenic.

Mayo Clinic Laboratories, Mayo Clinic
Classification: Pathogenic. Last evaluated: 2024-09-12. Review status: criteria provided, single submitter. Criteria: ACMG Guidelines, 2015. Collection method: clinical testing. Allele origin: germline. Observed: 1 variant allele.
Comment: PM2, PM3_very_strong, PVS1

Fulgent Genetics
Classification: Pathogenic for Progressive familial intrahepatic cholestasis type 2; Benign recurrent intrahepatic cholestasis type 2. Last evaluated: 2024-01-22. Review status: criteria provided, single submitter. Criteria: ACMG Guidelines, 2015. Collection method: clinical testing. Allele origin: germline.

Institute Of Liver Studies, NHS South East Genomic Laboratory Hub
Classification: Pathogenic for Cholestasis. Last evaluated: 2023-10-28. Review status: criteria provided, single submitter. Criteria: ACGS Best Practice Guidelines for Variant Classification in Rare Disease 2020. Collection method: clinical testing. Allele origin: germline. Affected: yes.

Labcorp Genetics (formerly Invitae), Labcorp
Classification: Pathogenic. Last evaluated: 2023-08-23. Review status: criteria provided, single submitter. Criteria: Invitae Variant Classification Sherloc (09022015). Collection method: clinical testing. Allele origin: germline.
Comment: For these reasons, this variant has been classified as Pathogenic. Algorithms developed to predict the effect of sequence changes on RNA splicing suggest that this variant may disrupt the consensus splice site. ClinVar contains an entry for this variant (Variation ID: 596620). This variant is also known as IVS19+1G>A. Disruption of this splice site has been observed in individuals with ABCB11-related conditions (PMID: 15300568, 16871584, 28733223). This variant is present in population databases (no rsID available, gnomAD 0.006%). This sequence change affects a donor splice site in intron 18 of the ABCB11 gene. It is expected to disrupt RNA splicing. Variants that disrupt the donor or acceptor splice site typically lead to a loss of protein function (PMID: 16199547), and loss-of-function variants in ABCB11 are known to be pathogenic (PMID: 18395098, 20232290).

Baylor Genetics
Classification: Pathogenic for Benign recurrent intrahepatic cholestasis type 2. Last evaluated: 2023-07-21. Review status: criteria provided, single submitter. Criteria: ACMG Guidelines, 2015. Collection method: clinical testing. Allele origin: unknown.

Laboratory of Medical Genetics, National & Kapodistrian University of Athens
Classification: Pathogenic for Progressive familial intrahepatic cholestasis type 2. Last evaluated: 2021-10-01. Review status: criteria provided, single submitter. Criteria: ACMG Guidelines, 2015. Collection method: clinical testing. Allele origin: unknown. Affected: yes.
Comment: PVS1, PM2, PP3, PP5

CeGaT Center for Human Genetics Tuebingen
Classification: Pathogenic. Last evaluated: 2019-01-01. Review status: criteria provided, single submitter. Criteria: CeGaT Center For Human Genetics Tuebingen Variant Classification Criteria Version 2. Collection method: clinical testing. Allele origin: germline. Affected: yes. Observed: 2 variant alleles.

Eurofins Ntd Llc (ga)
Classification: Pathogenic. Last evaluated: 2018-03-23. Review status: criteria provided, single submitter. Criteria: EGL ClinVar v180209 classification definitions. Collection method: clinical testing. Allele origin: germline. Observed: 1 variant allele, 1 heterozygote.

PreventionGenetics, part of Exact Sciences
Classification: Pathogenic for ABCB11-related condition. Last evaluated: 2024-06-21. Review status: no assertion criteria provided. Collection method: clinical testing. Allele origin: germline. Not counted in ClinVar's aggregate classification.
Comment: The ABCB11 c.2178+1G>A variant is predicted to disrupt the GT donor site and interfere with normal splicing. This variant, also described as IVS18+1G>A using legacy nomenclature, has been reported in the compound heterozygous state in patients with progressive familial intrahepatic cholestasis (see for example Table 1 in Knisely et al. 2006. PubMed ID: 16871584; Table S2 Dröge et al. 2017. PubMed ID: 28733223). This variant is reported in 0.0058% of alleles in individuals of European (Finnish) descent in gnomAD and is interpreted as pathogenic in ClinVar. Alternative nucleotide substitutions at the same position have also been reported in patients with progressive familial intrahepatic cholestasis (Strautnieks et al. 2008. PubMed ID: 18395098). Variants that disrupt the consensus splice donor sites in ABCB11 are expected to be pathogenic. In summary, we interpret the c.2178+1G>A variant as pathogenic.

Literature cited by the submitters: PubMed 37361697 (cited by Genomenon, Inc); PubMed 36995996 (cited by Genomenon, Inc); PubMed 32291498 (cited by Genomenon, Inc); PubMed 31160058 (cited by Genomenon, Inc); PubMed 28733223 (cited by 3 submitters); PubMed 25847299 (cited by Genomenon, Inc); PubMed 15300568 (cited by Genomenon, Inc and Labcorp Genetics (formerly Invitae), Labcorp); PubMed 18395098 (cited by 4 submitters); PubMed 31296176 (cited by Mayo Clinic Laboratories, Mayo Clinic); PubMed 35894240 (cited by Mayo Clinic Laboratories, Mayo Clinic); PubMed 16871584 (cited by Labcorp Genetics (formerly Invitae), Labcorp); PubMed 16199547 (cited by Labcorp Genetics (formerly Invitae), Labcorp); PubMed 20232290 (cited by Labcorp Genetics (formerly Invitae), Labcorp); PubMed 34008892 (cited by Laboratory of Medical Genetics, National & Kapodistrian University of Athens).